The following is an entry in ClinVar:

ClinVar aggregate classification (germline): Uncertain significance. Review status: criteria provided, multiple submitters, no conflicts (2 of 4 stars). 2 submissions from 2 submitters: Uncertain significance (2). Last evaluated 2025-01-19.

Conditions:
Cardiovascular phenotype. Identifiers: MedGen CN230736.

Allele frequency attached by ClinVar (database versions not stated): TOPMed below 0.00001; gnomAD 0.00001; ExAC 0.00002.

Submissions (2):

Mayo Clinic Laboratories, Mayo Clinic
Classification: Uncertain significance. Last evaluated: 2025-01-19. Review status: criteria provided, single submitter. Criteria: ACMG Guidelines, 2015. Collection method: clinical testing. Allele origin: germline. Observed: 1 variant allele.
Comment: BP5, PP3

Ambry Genetics
Classification: Uncertain significance for Cardiovascular phenotype. Last evaluated: 2025-01-07. Review status: criteria provided, single submitter. Criteria: Ambry Variant Classification Scheme 2023. Collection method: clinical testing. Allele origin: germline.

NM_006514.4(SCN10A):c.4182G>A (p.Met1394Ile)

Gene: SCN10A (sodium voltage-gated channel alpha subunit 10; minus strand). Cytogenetic location: 3p22.2.
Variant type: single nucleotide variant.
Coding change: c.4182G>A on transcript NM_006514.4 (MANE Select); coding-DNA position 4182, G replaced by A.
Protein change: p.Met1394Ile; replaces methionine 1394 with isoleucine.
Molecular consequence: missense variant.
Genome position (GRCh38, 1-based): chr3:38,709,577, C>T on the plus strand (G>A on the coding strand, the complement: SCN10A is on the minus strand). VCF-style: chr3-38709577-C-T. GRCh37 (hg19) VCF-style: chr3-38751068-C-T.
Other names: p.Met1394Ile; c.4179G>A, p.Met1393Ile (NM_001293306.2); c.3888G>A, p.Met1296Ile (NM_001293307.2); c.4182G>A (NM_006514.3); short protein forms M1296I, M1393I, M1394I.
Identifiers: ClinVar variation 1738512 (VCV001738512.4), dbSNP rs773923447, ClinGen allele CA2319982.